The following is an entry in ClinVar:

ClinVar aggregate classification (germline): Uncertain significance (1 of 4 stars; one submission).

Conditions:
Hereditary cancer-predisposing syndrome. Also called: Tumor predisposition; Neoplastic Syndromes, Hereditary; Hereditary neoplastic syndrome; Hereditary Cancer Syndrome. Identifiers: Orphanet 140162, MedGen C0027672, MeSH D009386, MONDO:0015356.

gnomAD v4.1: 1 of 1,607,284 alleles (0.000062%); highest among the groups gnomAD compares: Non-Finnish European, 0.000085%; no homozygotes.

Submission:

Ambry Genetics
Classification: Uncertain significance for Hereditary cancer-predisposing syndrome. Last evaluated: 2024-08-03. Review status: criteria provided, single submitter. Criteria: Ambry Variant Classification Scheme 2023. Collection method: clinical testing. Allele origin: germline.
Comment: The p.S1025N variant (also known as c.3074G>A), located in coding exon 15 of the BLM gene, results from a G to A substitution at nucleotide position 3074. The serine at codon 1025 is replaced by asparagine, an amino acid with highly similar properties. This amino acid position is conserved. In addition, the in silico prediction for this alteration is inconclusive. Based on the available evidence, the clinical significance of this variant remains unclear.

NM_000057.4(BLM):c.3074G>A (p.Ser1025Asn)

Gene: BLM (BLM RecQ like helicase; plus strand). Cytogenetic location: 15q26.1.
Variant type: single nucleotide variant.
Coding change: c.3074G>A on transcript NM_000057.4 (MANE Select); coding-DNA position 3074, G replaced by A.
Protein change: p.Ser1025Asn; replaces serine 1025 with asparagine.
Molecular consequence: missense variant.
Genome position (GRCh38, 1-based): chr15:90,794,221, G>A. VCF-style: chr15-90794221-G-A. GRCh37 (hg19) VCF-style: chr15-91337451-G-A.
Other names: c.3074G>A, p.Ser1025Asn (NM_001287246.2, NM_001287247.2); c.1949G>A, p.Ser650Asn (NM_001287248.2); short protein forms S1025N, S650N.
Identifiers: ClinVar variation 3480822 (VCV003480822.1).